The following is an entry in ClinVar:

ClinVar aggregate classification (germline): Uncertain significance (1 of 4 stars; one submission).

Submission:

Labcorp Genetics (formerly Invitae), Labcorp
Classification: Uncertain significance. Last evaluated: 2023-11-24. Review status: criteria provided, single submitter. Criteria: Invitae Variant Classification Sherloc (09022015). Collection method: clinical testing. Allele origin: germline.
Comment: This sequence change falls in intron 7 of the ZNF687 gene. It does not directly change the encoded amino acid sequence of the ZNF687 protein. It affects a nucleotide within the consensus splice site. This variant is not present in population databases (gnomAD no frequency). This variant has not been reported in the literature in individuals affected with ZNF687-related conditions. Variants that disrupt the consensus splice site are a relatively common cause of aberrant splicing (PMID: 17576681, 9536098). Algorithms developed to predict the effect of sequence changes on RNA splicing suggest that this variant may disrupt the consensus splice site. In summary, the available evidence is currently insufficient to determine the role of this variant in disease. Therefore, it has been classified as a Variant of Uncertain Significance.

Literature cited by the submitters: PubMed 17576681; PubMed 9536098.

NM_020832.3(ZNF687):c.3077+5_3077+12del

Gene: ZNF687 (zinc finger protein 687; plus strand). Cytogenetic location: 1q21.3.
Variant type: Deletion.
Coding change: c.3077+5_3077+12del on transcript NM_020832.3 (MANE Select); bases 5 to 12 of the intron after coding-DNA position 3077, 8 bases deleted (GTCTTGCT; older notation c.3077+5_3077+12delGTCTTGCT).
Molecular consequence: intron variant.
Genome position (GRCh38, 1-based): chr1:151,290,239-151,290,246, GTCTTGCT deleted. VCF-style (leftmost placement, unchanged base first): chr1-151290238-AGTCTTGCT-A. GRCh37 (hg19) VCF-style: chr1-151262714-AGTCTTGCT-A.
Other names: c.3077+5_3077+12del (NM_001304764.2, NM_001304763.2).
Identifiers: ClinVar variation 2698650 (VCV002698650.3), dbSNP rs2528540514, ClinGen allele CA2697554535.